The following is an entry in ClinVar:

NM_012418.4(FSCN2):c.1057G>A (p.Val353Met)

Gene: FSCN2 (fascin actin-bundling protein 2, retinal; plus strand). Cytogenetic location: 17q25.3.
Variant type: single nucleotide variant.
Coding change: c.1057G>A on transcript NM_012418.4 (MANE Select); coding-DNA position 1057, G replaced by A.
Protein change: p.Val353Met; replaces valine 353 with methionine.
Molecular consequence: missense variant.
Genome position (GRCh38, 1-based): chr17:81,536,219, G>A. VCF-style: chr17-81536219-G-A. GRCh37 (hg19) VCF-style: chr17-79503245-G-A.
Other names: c.1057G>A, p.Val353Met (NM_001077182.3); short protein forms V353M.
Identifiers: ClinVar variation 935739 (VCV000935739.11), dbSNP rs144409045, ClinGen allele CA8836942.

ClinVar aggregate classification (germline): Conflicting classifications of pathogenicity. Review status: criteria provided, conflicting classifications (1 of 4 stars). 2 submissions from 2 submitters: Uncertain significance (1); Likely benign (1). Last evaluated 2025-09-16.

Allele frequency attached by ClinVar (database versions not stated): 1000 Genomes Project 0.00020; 1000 Genomes Project 30x 0.00031; TOPMed 0.00037; ESP Exome Variant Server 0.00048.

Submissions (2):

Labcorp Genetics (formerly Invitae), Labcorp
Classification: Uncertain significance. Last evaluated: 2025-09-16. Review status: criteria provided, single submitter. Criteria: Invitae Variant Classification Sherloc (09022015). Collection method: clinical testing. Allele origin: germline.
Comment: This sequence change replaces valine, which is neutral and non-polar, with methionine, which is neutral and non-polar, at codon 353 of the FSCN2 protein (p.Val353Met). This variant is present in population databases (rs144409045, gnomAD 0.07%), and has an allele count higher than expected for a pathogenic variant. This variant has not been reported in the literature in individuals affected with FSCN2-related conditions. ClinVar contains an entry for this variant (Variation ID: 935739). An algorithm developed to predict the effect of missense changes on protein structure and function (PolyPhen-2) suggests that this variant is likely to be disruptive. In summary, the available evidence is currently insufficient to determine the role of this variant in disease. Therefore, it has been classified as a Variant of Uncertain Significance.

GeneDx
Classification: Likely benign. Last evaluated: 2019-08-17. Review status: criteria provided, single submitter. Criteria: GeneDx Variant Classification Process June 2021. Collection method: clinical testing. Allele origin: germline. Affected: yes.
Comment: In silico analysis, which includes protein predictors and evolutionary conservation, supports that this variant does not alter protein structure/function; This variant is associated with the following publications: (PMID: 30215852)